The following is an entry in ClinVar:

ClinVar aggregate classification (germline): Likely benign. Review status: reviewed by expert panel (3 of 4 stars). 10 submissions from 10 submitters: Likely benign (1). 9 of the submissions do not count toward it. Last evaluated 2017-06-29.

Conditions:
Hereditary cancer-predisposing syndrome. Also called: Hereditary Cancer Syndrome; Neoplastic Syndromes, Hereditary; Tumor predisposition; Hereditary neoplastic syndrome. Identifiers: Orphanet 140162, MedGen C0027672, MeSH D009386, MONDO:0015356.
Breast-ovarian cancer, familial, susceptibility to, 2 (BROVCA2). Also called: BRCA2 Hereditary Breast and Ovarian Cancer. Identifiers: Orphanet 145, MedGen C2675520, MONDO:0012933, OMIM 612555. Disease mechanism: loss of function.
Hereditary breast ovarian cancer syndrome. Also called: Hereditary breast and/or ovarian cancer syndrome; BRCA1- and BRCA2-Associated Hereditary Breast and Ovarian Cancer; Hereditary breast and ovarian cancer syndrome (HBOC); Hereditary breast and ovarian cancer; Hereditary breast and ovarian cancer syndrome; Breast and ovarian cancer. Identifiers: Orphanet 145, MedGen C0677776, MeSH D061325, MONDO:0003582. Disease mechanism: loss of function.

Allele frequency attached by ClinVar (database versions not stated): TOPMed below 0.00001; ExAC 0.00001; gnomAD exomes 0.00001.
gnomAD v4.1: 6 of 1,614,088 alleles (0.00037%); highest among the groups gnomAD compares: Non-Finnish European, 0.00051%; no homozygotes.

Submissions (10):

Evidence-based Network for the Interpretation of Germline Mutant Alleles (ENIGMA)
Classification: Likely benign for Breast-ovarian cancer, familial, susceptibility to, 2. Last evaluated: 2017-06-29. Review status: reviewed by expert panel. Criteria: ENIGMA BRCA1/2 Classification Criteria (2017-06-29). Collection method: curation. Allele origin: germline.
Comment: Synonymous substitution variant, with low bioinformatic likelihood to result in a splicing aberration (Splicing prior probability 0.02).

Labcorp Genetics (formerly Invitae), Labcorp
Classification: Likely benign for Hereditary breast ovarian cancer syndrome. Last evaluated: 2026-02-03. Review status: criteria provided, single submitter. Criteria: Invitae Variant Classification Sherloc (09022015). Collection method: clinical testing. Allele origin: germline. Not counted in ClinVar's aggregate classification.

Quest Diagnostics Nichols Institute San Juan Capistrano
Classification: Likely benign. Last evaluated: 2025-09-15. Review status: criteria provided, single submitter. Criteria: Quest Diagnostics criteria. Collection method: clinical testing. Allele origin: unknown. Not counted in ClinVar's aggregate classification.

Mayo Clinic Laboratories, Mayo Clinic
Classification: Likely benign. Last evaluated: 2025-01-21. Review status: criteria provided, single submitter. Criteria: ACMG Guidelines, 2015. Collection method: clinical testing. Allele origin: germline. Observed: 1 variant allele. Not counted in ClinVar's aggregate classification.
Comment: BP1_strong

All of Us Research Program, National Institutes of Health
Classification: Likely benign for Breast-ovarian cancer, familial, susceptibility to, 2. Last evaluated: 2024-02-05. Review status: criteria provided, single submitter. Criteria: ACMG Guidelines, 2015. Collection method: clinical testing. Allele origin: germline. Inheritance: Autosomal dominant inheritance. Observed: 3 variant alleles, 3 heterozygotes. Not counted in ClinVar's aggregate classification.
Comment: This study involves interpretation of variants in research participants for the purpose of population health screening. Participant phenotype was not available at the time of variant classification. Additional details can be found in publication PMID: 35346344, PMCID: PMC8962531

Sema4
Classification: Likely benign for Hereditary cancer-predisposing syndrome. Last evaluated: 2021-03-29. Review status: criteria provided, single submitter. Criteria: Sema4 Curation Guidelines. Collection method: curation. Allele origin: germline. Not counted in ClinVar's aggregate classification.

Women's Health and Genetics/Laboratory Corporation of America, LabCorp
Classification: Likely benign. Last evaluated: 2019-08-21. Review status: criteria provided, single submitter. Criteria: LabCorp Variant Classification Summary - May 2015. Collection method: clinical testing. Allele origin: germline. Not counted in ClinVar's aggregate classification.

GeneDx
Classification: Likely benign. Last evaluated: 2019-02-01. Review status: criteria provided, single submitter. Criteria: GeneDx Variant Classification Process June 2021. Collection method: clinical testing. Allele origin: germline. Affected: yes. Not counted in ClinVar's aggregate classification.
Comment: This variant is associated with the following publications: (PMID: 26306726)

Color Diagnostics, LLC DBA Color Health
Classification: Likely benign for Hereditary cancer-predisposing syndrome. Last evaluated: 2017-11-22. Review status: criteria provided, single submitter. Criteria: ACMG Guidelines, 2015. Collection method: clinical testing. Allele origin: germline. Not counted in ClinVar's aggregate classification.

Ambry Genetics
Classification: Likely benign for Hereditary cancer-predisposing syndrome. Last evaluated: 2015-05-02. Review status: criteria provided, single submitter. Criteria: Ambry Variant Classification Scheme 2023. Collection method: clinical testing. Allele origin: germline. Not counted in ClinVar's aggregate classification.

NM_000059.4(BRCA2):c.5979A>G (p.Leu1993=)

Gene: BRCA2 (BRCA2 DNA repair associated; plus strand). Cytogenetic location: 13q13.1.
Variant type: single nucleotide variant.
Coding change: c.5979A>G on transcript NM_000059.4 (MANE Select); coding-DNA position 5979, A replaced by G.
Protein change: p.Leu1993=; no amino-acid change (leucine 1993 retained).
Molecular consequence: synonymous variant.
Genome position (GRCh38, 1-based): chr13:32,340,334, A>G. VCF-style: chr13-32340334-A-G. GRCh37 (hg19) VCF-style: chr13-32914471-A-G.
Other names: p.Leu1993=.
Identifiers: ClinVar variation 231527 (VCV000231527.27), dbSNP rs773999877, ClinGen allele CA6940921.